The following is an entry in ClinVar:

NM_003802.3(MYH13):c.3329AGA[1] (p.Lys1111del)

Gene: MYH13 (myosin heavy chain 13; minus strand). Cytogenetic location: 17p13.1.
Variant type: Microsatellite.
Coding change: c.3329AGA[1] on transcript NM_003802.3 (MANE Select); one copy of the 3-base unit AGA starting at c.3329; the reference has two copies in a row; one copy, 3 bases deleted.
Protein change: p.Lys1111del; deletes lysine 1111.
Genome position (GRCh38, 1-based): chr17:10,320,167-10,320,169, TCT deleted on the plus strand (AGA on the coding strand, the reverse complement: MYH13 is on the minus strand); deleting any 3 consecutive bases within chr17:10,320,167-10,320,173 gives the same sequence; the position shown is the placement nearest the transcript's 3' end. VCF-style (leftmost placement, unchanged base first): chr17-10320166-ATCT-A. GRCh37 (hg19) VCF-style: chr17-10223483-ATCT-A.
Other names: short protein forms K1111del.
Identifiers: ClinVar variation 3036627 (VCV003036627.2), dbSNP rs752871980, ClinGen allele CA8385823.

ClinVar aggregate classification (germline): Likely benign (0 of 4 stars; one submission).

Conditions:
MYH13-related disorder. Also called: MYH13-related condition.

Submission:

PreventionGenetics, part of Exact Sciences
Classification: Likely benign for MYH13-related condition. Last evaluated: 2022-05-27. Review status: no assertion criteria provided. Collection method: clinical testing. Allele origin: germline.
Comment: This variant is classified as likely benign based on ACMG/AMP sequence variant interpretation guidelines (Richards et al. 2015 PMID: 25741868, with internal and published modifications).